The following is an entry in ClinVar:

NM_001733.7(C1R):c.3-101T>C

Gene: C1R (complement C1r; minus strand). Cytogenetic location: 12p13.31.
Variant type: single nucleotide variant.
Coding change: c.3-101T>C on transcript NM_001733.7 (MANE Select); 101 bases into the intron before coding-DNA position 3, T replaced by C.
Molecular consequence: intron variant. On other transcripts: synonymous variant (1).
Genome position (GRCh38, 1-based): chr12:7,091,781, A>G on the plus strand (T>C on the coding strand, the complement: C1R is on the minus strand). VCF-style: chr12-7091781-A-G. GRCh37 (hg19) VCF-style: chr12-7244377-A-G.
Other names: c.36T>C, p.Asn12= (NM_001354346.2).
Identifiers: ClinVar variation 1694659 (VCV001694659.33), dbSNP rs746654318, ClinGen allele CA6424349.
Genomic context (GRCh38, chr12:7,091,781, plus strand): 5'-AGCACTCTTGCCATGTGGGCAGTGGCTGTGGCAGGGGATGAGACGGCCATACCACTGGGC[A>G]TTCTCCTCTCTGCCCACCCTGAACCTCACAGACATGTTCTCAGCAGGGGTGCGTGGGTGG-3'

ClinVar aggregate classification (germline): Benign/Likely benign. Review status: criteria provided, multiple submitters, no conflicts (2 of 4 stars). 2 submissions from 2 submitters: Benign (1); Likely benign (1). Last evaluated 2025-04-03.

Allele frequency attached by ClinVar (database versions not stated): gnomAD exomes 0.00009 and 0.00015; ExAC 0.00029; gnomAD 0.00038 and 0.00042; TOPMed 0.00044.
gnomAD v4.1: 116 of 713,952 alleles (0.016%); highest among the groups gnomAD compares: African/African-American, 0.15%; no homozygotes.

Submissions (2):

Women's Health and Genetics/Laboratory Corporation of America, LabCorp
Classification: Benign. Last evaluated: 2025-04-03. Review status: criteria provided, single submitter. Criteria: LabCorp Variant Classification Summary - May 2015. Collection method: clinical testing. Allele origin: germline.

CeGaT Center for Human Genetics Tuebingen
Classification: Likely benign. Last evaluated: 2022-05-01. Review status: criteria provided, single submitter. Criteria: CeGaT Center For Human Genetics Tuebingen Variant Classification Criteria Version 2. Collection method: clinical testing. Allele origin: germline. Affected: yes. Observed: 1 variant allele.
Comment: C1R: BP4, BP7